The following is an entry in ClinVar:

ClinVar aggregate classification (germline): Uncertain significance (1 of 4 stars; one submission).

Submission:

GeneDx
Classification: Uncertain significance. Last evaluated: 2024-02-16. Review status: criteria provided, single submitter. Criteria: GeneDx Variant Classification Process June 2021. Collection method: clinical testing. Allele origin: germline. Affected: yes.
Comment: Not observed at significant frequency in large population cohorts (gnomAD); In-frame deletion of 7 amino acids and insertion of 1 amino acid in a non-repeat region; In silico analysis supports a deleterious effect on protein structure/function; Has not been previously published as pathogenic or benign to our knowledge

NM_021072.4(HCN1):c.1262_1279del (p.His421_Met427delinsLeu)

Gene: HCN1 (hyperpolarization activated cyclic nucleotide gated potassium channel 1; minus strand). Cytogenetic location: 5p12.
Variant type: Deletion.
Coding change: c.1262_1279del on transcript NM_021072.4 (MANE Select); coding-DNA positions 1262 to 1279, 18 bases deleted (ATAAGTTACCAGCTGATA).
Protein change: p.His421_Met427delinsLeu.
Molecular consequence: inframe indel.
Genome position (GRCh38, 1-based): chr5:45,353,198-45,353,215, TATCAGCTGGTAACTTAT deleted on the plus strand (ATAAGTTACCAGCTGATA on the coding strand, the reverse complement: HCN1 is on the minus strand). VCF-style (leftmost placement, unchanged base first): chr5-45353197-ATATCAGCTGGTAACTTAT-A. GRCh37 (hg19) VCF-style: chr5-45353299-ATATCAGCTGGTAACTTAT-A.
Identifiers: ClinVar variation 3369286 (VCV003369286.1).